The following is an entry in ClinVar:

NM_001376.5(DYNC1H1):c.12513G>A (p.Lys4171=)

Gene: DYNC1H1 (dynein cytoplasmic 1 heavy chain 1; plus strand). Cytogenetic location: 14q32.31.
Variant type: single nucleotide variant.
Coding change: c.12513G>A on transcript NM_001376.5 (MANE Select); coding-DNA position 12513, G replaced by A.
Protein change: p.Lys4171=; no amino-acid change (lysine 4171 retained).
Molecular consequence: synonymous variant.
Genome position (GRCh38, 1-based): chr14:102,042,748, G>A. VCF-style: chr14-102042748-G-A. GRCh37 (hg19) VCF-style: chr14-102509085-G-A.
Identifiers: ClinVar variation 2820793 (VCV002820793.3), dbSNP rs2503860347, ClinGen allele CA488186664.

ClinVar aggregate classification (germline): Uncertain significance (1 of 4 stars; one submission).

Conditions:
Charcot-Marie-Tooth disease axonal type 2O. Also called: Charcot-Marie-Tooth disease, axonal, type 20; CHARCOT-MARIE-TOOTH NEUROPATHY, AXONAL, TYPE 2O; CHARCOT-MARIE-TOOTH DISEASE, AXONAL, AUTOSOMAL DOMINANT, TYPE 2O; Charcot-Marie-Tooth Neuropathy Type 2O. Identifiers: Orphanet 284232, MedGen C3280220, MONDO:0013644, OMIM 614228.

Submission:

Labcorp Genetics (formerly Invitae), Labcorp
Classification: Uncertain significance for Charcot-Marie-Tooth disease axonal type 2O. Last evaluated: 2024-04-10. Review status: criteria provided, single submitter. Criteria: Invitae Variant Classification Sherloc (09022015). Collection method: clinical testing. Allele origin: germline.
Comment: This sequence change affects codon 4171 of the DYNC1H1 mRNA. It is a 'silent' change, meaning that it does not change the encoded amino acid sequence of the DYNC1H1 protein. This variant also falls at the last nucleotide of exon 69, which is part of the consensus splice site for this exon. This variant is not present in population databases (gnomAD no frequency). This variant has not been reported in the literature in individuals affected with DYNC1H1-related conditions. Variants that disrupt the consensus splice site are a relatively common cause of aberrant splicing (PMID: 17576681, 9536098). Algorithms developed to predict the effect of sequence changes on RNA splicing suggest that this variant is not likely to affect RNA splicing. In summary, the available evidence is currently insufficient to determine the role of this variant in disease. Therefore, it has been classified as a Variant of Uncertain Significance.

Literature cited by the submitters: PubMed 17576681; PubMed 9536098.